The following is an entry in ClinVar:

NM_015474.4(SAMHD1):c.1169_1179del (p.Ala389_Phe390insTer)

Gene: SAMHD1 (SAM and HD domain containing deoxynucleoside triphosphate triphosphohydrolase 1; minus strand). Cytogenetic location: 20q11.23.
Variant type: Deletion.
Coding change: c.1169_1179del on transcript NM_015474.4 (MANE Select); coding-DNA positions 1169 to 1179, 11 bases deleted (TCCTCAAAGCA).
Protein change: p.Ala389_Phe390insTer.
Molecular consequence: nonsense.
Genome position (GRCh38, 1-based): chr20:36,911,309-36,911,319, TGCTTTGAGGA deleted on the plus strand (TCCTCAAAGCA on the coding strand, the reverse complement: SAMHD1 is on the minus strand). VCF-style (leftmost placement, unchanged base first): chr20-36911308-CTGCTTTGAGGA-C. GRCh37 (hg19) VCF-style: chr20-35539711-CTGCTTTGAGGA-C.
Other names: c.1169_1179del, p.Ala389_Phe390insTer (NM_001363729.2, NM_001363733.2).
Identifiers: ClinVar variation 2754620 (VCV002754620.3), dbSNP rs2515236275, ClinGen allele CA2697547375.

ClinVar aggregate classification (germline): Pathogenic (1 of 4 stars; one submission).

Conditions:
Aicardi-Goutieres syndrome 5. Identifiers: Orphanet 51, MedGen C2749659, MONDO:0013059, OMIM 612952.

Submission:

Labcorp Genetics (formerly Invitae), Labcorp
Classification: Pathogenic for Aicardi-Goutieres syndrome 5. Last evaluated: 2023-08-23. Review status: criteria provided, single submitter. Criteria: Invitae Variant Classification Sherloc (09022015). Collection method: clinical testing. Allele origin: germline.
Comment: This sequence change creates a premature translational stop signal (p.Phe390*) in the SAMHD1 gene. It is expected to result in an absent or disrupted protein product. Loss-of-function variants in SAMHD1 are known to be pathogenic (PMID: 19525956, 22461318). This variant is not present in population databases (gnomAD no frequency). This variant has not been reported in the literature in individuals affected with SAMHD1-related conditions. For these reasons, this variant has been classified as Pathogenic.

Literature cited by the submitters: PubMed 19525956; PubMed 22461318.